The following is an entry in ClinVar:

NM_177438.3(DICER1):c.1532A>T (p.His511Leu)

Gene: DICER1 (dicer 1, ribonuclease III; minus strand). Cytogenetic location: 14q32.13.
Variant type: single nucleotide variant.
Coding change: c.1532A>T on transcript NM_177438.3 (MANE Select); coding-DNA position 1532, A replaced by T.
Protein change: p.His511Leu; replaces histidine 511 with leucine.
Molecular consequence: missense variant. On other transcripts: non-coding transcript variant (6), intron variant (1).
Genome position (GRCh38, 1-based): chr14:95,116,673, T>A on the plus strand (A>T on the coding strand, the complement: DICER1 is on the minus strand). VCF-style: chr14-95116673-T-A. GRCh37 (hg19) VCF-style: chr14-95583010-T-A.
Other names: c.1532A>T, p.His511Leu (NM_001395677.1, NM_001395678.1, NM_001395679.1 and 12 more transcripts); c.1250A>T, p.His417Leu (NM_001395686.1); c.1127A>T, p.His376Leu (NM_001395687.1, NM_001395688.1, NM_001395689.1 and 3 more transcripts); c.-59-93A>T (NM_001395697.1); c.965A>T, p.His322Leu (NM_001395691.1); short protein forms H322L, H376L, H417L, H511L.
Identifiers: ClinVar variation 4869813 (VCV004869813.1).
Genomic context (GRCh38, chr14:95,116,673, plus strand): 5'-CATTTTGGTATATCAACACCCTCTTCTACAATACTTGTTGCAATAAGCAGGTTGGTCTCA[T>A]GTGCTCGAAATTTCCTAAGTACCTGAAAAAAAAAATCCACCAAGAAAAGCACTTCTAAGA-3'
Protein context (NP_803187.1, residues 501-521): QEEVLRKFRA[His511Leu]ETNLLIATSI

ClinVar aggregate classification (germline): Uncertain significance (1 of 4 stars; one submission).

Conditions:
Hereditary cancer-predisposing syndrome. Also called: Neoplastic Syndromes, Hereditary; Tumor predisposition; Hereditary Cancer Syndrome; Hereditary neoplastic syndrome. Identifiers: Orphanet 140162, MedGen C0027672, MeSH D009386, MONDO:0015356.

Submission:

Ambry Genetics
Classification: Uncertain significance for Hereditary cancer-predisposing syndrome. Last evaluated: 2026-06-08. Review status: criteria provided, single submitter. Criteria: Ambry Variant Classification Scheme 2023. Collection method: clinical testing. Allele origin: germline.
Comment: The p.H511L variant (also known as c.1532A>T), located in coding exon 9 of the DICER1 gene, results from an A to T substitution at nucleotide position 1532. The histidine at codon 511 is replaced by leucine, an amino acid with similar properties. This amino acid position is conserved. In addition, this alteration is predicted to be deleterious by in silico analysis. Based on the available evidence, the clinical significance of this variant remains unclear.